The following is an entry in ClinVar:

ClinVar aggregate classification (germline): Uncertain significance. Review status: criteria provided, multiple submitters, no conflicts (2 of 4 stars). 2 submissions from 2 submitters: Uncertain significance (2). Last evaluated 2024-10-21.

Conditions:
Inborn genetic diseases. Identifiers: MedGen C0950123, MeSH D030342.

Submissions (2):

Ambry Genetics
Classification: Uncertain significance for Inborn genetic diseases. Last evaluated: 2024-10-21. Review status: criteria provided, single submitter. Criteria: Ambry Variant Classification Scheme 2023. Collection method: clinical testing. Allele origin: germline.
Comment: The c.3190G>C (p.G1064R) alteration is located in exon 4 (coding exon 3) of the SETBP1 gene. This alteration results from a G to C substitution at nucleotide position 3190, causing the glycine (G) at amino acid position 1064 to be replaced by an arginine (R). This variant was not reported in population-based cohorts in the Genome Aggregation Database (gnomAD). This amino acid position is highly conserved in available vertebrate species. This alteration is predicted to be deleterious by in silico analysis. Based on insufficient or conflicting evidence, the clinical significance of this alteration remains unclear.

Labcorp Genetics (formerly Invitae), Labcorp
Classification: Uncertain significance. Last evaluated: 2023-02-17. Review status: criteria provided, single submitter. Criteria: Invitae Variant Classification Sherloc (09022015). Collection method: clinical testing. Allele origin: germline.
Comment: In summary, the available evidence is currently insufficient to determine the role of this variant in disease. Therefore, it has been classified as a Variant of Uncertain Significance. Advanced modeling of protein sequence and biophysical properties (such as structural, functional, and spatial information, amino acid conservation, physicochemical variation, residue mobility, and thermodynamic stability) performed at Invitae indicates that this missense variant is expected to disrupt SETBP1 protein function. This sequence change replaces glycine, which is neutral and non-polar, with arginine, which is basic and polar, at codon 1064 of the SETBP1 protein (p.Gly1064Arg). This variant is not present in population databases (gnomAD no frequency). This variant has not been reported in the literature in individuals affected with SETBP1-related conditions.

NM_015559.3(SETBP1):c.3190G>C (p.Gly1064Arg)

Gene: SETBP1 (SET binding protein 1; plus strand). Cytogenetic location: 18q12.3.
Variant type: single nucleotide variant.
Coding change: c.3190G>C on transcript NM_015559.3 (MANE Select); coding-DNA position 3190, G replaced by C.
Protein change: p.Gly1064Arg; replaces glycine 1064 with arginine.
Molecular consequence: missense variant.
Genome position (GRCh38, 1-based): chr18:44,952,530, G>C. VCF-style: chr18-44952530-G-C. GRCh37 (hg19) VCF-style: chr18-42532495-G-C.
Other names: c.3190G>C (NM_015559.2); c.3190G>C, p.Gly1064Arg (NM_001379141.1, NM_001379142.1, NM_001410862.1); short protein forms G1064R.
Identifiers: ClinVar variation 2838419 (VCV002838419.4), dbSNP rs2511474938, ClinGen allele CA402323800.
Genomic context (GRCh38, chr18:44,952,530, plus strand): 5'-AGTGGAAGTTACTATGCACCCTATGGAATGCCTTACACATCAATGCCTATGATGAACCTT[G>C]GTTATTACGGTCAGTACCCAGCTCCTTTGTACCTATCGCACACGCTTGGAGCAGCTTCCC-3'
Protein context (NP_056374.2, residues 1054-1074): PYTSMPMMNL[Gly1064Arg]YYGQYPAPLY